The following is an entry in ClinVar:

NM_000245.4(MET):c.1701G>T (p.Lys567Asn)

Gene: MET (MET proto-oncogene, receptor tyrosine kinase; plus strand). Cytogenetic location: 7q31.2.
Variant type: single nucleotide variant.
Coding change: c.1701G>T on transcript NM_000245.4 (MANE Select); coding-DNA position 1701, G replaced by T.
Protein change: p.Lys567Asn; replaces lysine 567 with asparagine.
Molecular consequence: missense variant.
Genome position (GRCh38, 1-based): chr7:116,741,025, G>T. VCF-style: chr7-116741025-G-T. GRCh37 (hg19) VCF-style: chr7-116381079-G-T.
Other names: c.1701G>T, p.Lys567Asn (NM_001127500.3, NM_001324401.3); c.411G>T, p.Lys137Asn (NM_001324402.2); short protein forms K137N, K567N.
Identifiers: ClinVar variation 2765031 (VCV002765031.3), dbSNP rs1793429265, ClinGen allele CA368975938.

ClinVar aggregate classification (germline): Uncertain significance (1 of 4 stars; one submission).

Conditions:
Renal cell carcinoma. Identifiers: Orphanet 217071, MedGen C0007134, MeSH D002292, MONDO:0005086, HP:0005584.

Allele frequency attached by ClinVar (database versions not stated): gnomAD 0.00001.

Submission:

Labcorp Genetics (formerly Invitae), Labcorp
Classification: Uncertain significance for Renal cell carcinoma. Last evaluated: 2023-10-04. Review status: criteria provided, single submitter. Criteria: Invitae Variant Classification Sherloc (09022015). Collection method: clinical testing. Allele origin: germline.
Comment: This sequence change replaces lysine, which is basic and polar, with asparagine, which is neutral and polar, at codon 567 of the MET protein (p.Lys567Asn). This variant also falls at the last nucleotide of exon 5, which is part of the consensus splice site for this exon. This variant is not present in population databases (gnomAD no frequency). This variant has not been reported in the literature in individuals affected with MET-related conditions. An algorithm developed to predict the effect of missense changes on protein structure and function (PolyPhen-2) suggests that this variant is likely to be disruptive. Variants that disrupt the consensus splice site are a relatively common cause of aberrant splicing (PMID: 17576681, 9536098). Algorithms developed to predict the effect of sequence changes on RNA splicing suggest that this variant may disrupt the consensus splice site. In summary, the available evidence is currently insufficient to determine the role of this variant in disease. Therefore, it has been classified as a Variant of Uncertain Significance.

Literature cited by the submitters: PubMed 17576681; PubMed 9536098.